The following is an entry in ClinVar:

ClinVar aggregate classification (germline): Uncertain significance (1 of 4 stars; one submission).

Conditions:
Alagille syndrome due to a JAG1 point mutation. Also called: JAG1-Related Alagille Syndrome; HEPATIC DUCTULAR HYPOPLASIA, SYNDROMATIC; Alagille Syndrome 1. Identifiers: Orphanet 261619, Orphanet 52, MedGen C1956125, MONDO:0016862, OMIM 118450.

Allele frequency attached by ClinVar (database versions not stated): gnomAD exomes below 0.00001.

Submission:

Labcorp Genetics (formerly Invitae), Labcorp
Classification: Uncertain significance for Alagille syndrome due to a JAG1 point mutation. Last evaluated: 2022-08-23. Review status: criteria provided, single submitter. Criteria: Invitae Variant Classification Sherloc (09022015). Collection method: clinical testing. Allele origin: germline.
Comment: This sequence change replaces lysine, which is basic and polar, with arginine, which is basic and polar, at codon 65 of the JAG1 protein (p.Lys65Arg). This variant is not present in population databases (gnomAD no frequency). This variant has not been reported in the literature in individuals affected with JAG1-related conditions. Advanced modeling of protein sequence and biophysical properties (such as structural, functional, and spatial information, amino acid conservation, physicochemical variation, residue mobility, and thermodynamic stability) performed at Invitae indicates that this missense variant is not expected to disrupt JAG1 protein function. In summary, the available evidence is currently insufficient to determine the role of this variant in disease. Therefore, it has been classified as a Variant of Uncertain Significance.

NM_000214.3(JAG1):c.194A>G (p.Lys65Arg)

Gene: JAG1 (jagged canonical Notch ligand 1; minus strand). Cytogenetic location: 20p12.2.
Variant type: single nucleotide variant.
Coding change: c.194A>G on transcript NM_000214.3 (MANE Select); coding-DNA position 194, A replaced by G.
Protein change: p.Lys65Arg; replaces lysine 65 with arginine.
Molecular consequence: missense variant.
Genome position (GRCh38, 1-based): chr20:10,672,894, T>C on the plus strand (A>G on the coding strand, the complement: JAG1 is on the minus strand). VCF-style: chr20-10672894-T-C. GRCh37 (hg19) VCF-style: chr20-10653542-T-C.
Other names: short protein forms K65R.
Identifiers: ClinVar variation 1965240 (VCV001965240.5), dbSNP rs2514537990, ClinGen allele CA408243379.